The following is an entry in ClinVar:

ClinVar aggregate classification (germline): Likely benign. Review status: criteria provided, multiple submitters, no conflicts (2 of 4 stars). 3 submissions from 3 submitters: Likely benign (3). Last evaluated 2024-06-13.

Conditions:
Primary dilated cardiomyopathy (DCM). Also called: Dilated Cardiomyopathy. Identifiers: Orphanet 217604, MedGen C0007193, MeSH D002311, MONDO:0005021, HP:0001644. Inheritance: Various modes of inheritance.

Allele frequency attached by ClinVar (database versions not stated): gnomAD exomes below 0.00001 and 0.00001; TOPMed 0.00002.
gnomAD v4.1: 9 of 1,613,940 alleles (0.00056%); highest among the groups gnomAD compares: Non-Finnish European, 0.00076%; no homozygotes.

Submissions (3):

Labcorp Genetics (formerly Invitae), Labcorp
Classification: Likely benign for Primary dilated cardiomyopathy. Last evaluated: 2024-06-13. Review status: criteria provided, single submitter. Criteria: Invitae Variant Classification Sherloc (09022015). Collection method: clinical testing. Allele origin: germline.

Ambry Genetics
Classification: Likely benign. Last evaluated: 2022-03-03. Review status: criteria provided, single submitter. Criteria: Ambry Variant Classification Scheme 2023. Collection method: clinical testing. Allele origin: germline.

Laboratory for Molecular Medicine, Mass General Brigham Personalized Medicine
Classification: Likely benign. Last evaluated: 2013-08-23. Review status: criteria provided, single submitter. Criteria: LMM Criteria. Collection method: clinical testing. Allele origin: germline. Observed: 1 variant allele.
Comment: His825His in exon 24 of NEBL: This variant is not expected to have clinical sig nificance because it does not alter an amino acid residue and is not located wit hin the splice consensus sequence. His825His in exon 24 of NEBL (allele frequen cy = n/a)

NM_006393.3(NEBL):c.2475C>T (p.His825=)

Gene: NEBL (nebulette; minus strand). Cytogenetic location: 10p12.31.
Variant type: single nucleotide variant.
Coding change: c.2475C>T on transcript NM_006393.3 (MANE Select); coding-DNA position 2475, C replaced by T.
Protein change: p.His825=; no amino-acid change (histidine 825 retained).
Molecular consequence: synonymous variant.
Genome position (GRCh38, 1-based): chr10:20,812,812, G>A on the plus strand (C>T on the coding strand, the complement: NEBL is on the minus strand). VCF-style: chr10-20812812-G-A. GRCh37 (hg19) VCF-style: chr10-21101741-G-A.
Other names: c.486C>T, p.His162= (NM_001173484.2, NM_001377322.1, NM_213569.2); c.438C>T, p.His146= (NM_001377323.1); c.429C>T, p.His143= (NM_001377324.1); c.420C>T, p.His140= (NM_001377325.1); c.378C>T, p.His126= (NM_001377326.1, NM_001377327.1, NM_001377328.1).
Identifiers: ClinVar variation 164739 (VCV000164739.16), dbSNP rs727503334, ClinGen allele CA177415.